The following is an entry in ClinVar:

ClinVar aggregate classification (germline): Pathogenic (1 of 4 stars; one submission).

Submission:

Labcorp Genetics (formerly Invitae), Labcorp
Classification: Pathogenic. Last evaluated: 2023-08-08. Review status: criteria provided, single submitter. Criteria: Invitae Variant Classification Sherloc (09022015). Collection method: clinical testing. Allele origin: germline.
Comment: For these reasons, this variant has been classified as Pathogenic. This variant has not been reported in the literature in individuals affected with CDK5RAP2-related conditions. This variant is not present in population databases (gnomAD no frequency). This sequence change creates a premature translational stop signal (p.Glu309*) in the CDK5RAP2 gene. It is expected to result in an absent or disrupted protein product. Loss-of-function variants in CDK5RAP2 are known to be pathogenic (PMID: 15793586, 20460369, 26436113).

Literature cited by the submitters: PubMed 15793586; PubMed 20460369; PubMed 26436113.

NM_018249.6(CDK5RAP2):c.923_924insCT (p.Thr308_Glu309insTer)

Gene: CDK5RAP2 (CDK5 regulatory subunit associated protein 2; minus strand). Cytogenetic location: 9q33.2.
Variant type: Insertion.
Coding change: c.923_924insCT on transcript NM_018249.6 (MANE Select); coding-DNA positions 923 to 924, CT inserted.
Protein change: p.Thr308_Glu309insTer.
Molecular consequence: frameshift variant. On other transcripts: non-coding transcript variant (5).
Genome position: GRCh38 VCF-style: chr9-120527881-T-TAG. GRCh37 (hg19) VCF-style: chr9-123290159-T-TAG.
Other names: c.923_924insCT, p.Thr308_Glu309insTer (NM_001011649.3, NM_001272039.2, NM_001410992.1 and 2 more transcripts).
Identifiers: ClinVar variation 2751227 (VCV002751227.3), dbSNP rs2539620018, ClinGen allele CA2697558004.